The following is an entry in ClinVar:

ClinVar aggregate classification (germline): Pathogenic. Review status: criteria provided, multiple submitters, no conflicts (2 of 4 stars). 2 submissions from 2 submitters: Pathogenic (2). Last evaluated 2018-11-01.

Conditions:
Congenital myasthenic syndrome 5. Identifiers: Orphanet 590, MedGen C1864233, MONDO:0011281, OMIM 603034.

Submissions (2):

University of Malaya Medical Center, University of Malaya
Classification: Pathogenic for Congenital myasthenic syndrome 5. Last evaluated: 2018-11-01. Review status: criteria provided, single submitter. Criteria: ACMG Guidelines, 2015. Collection method: clinical testing. Allele origin: germline. Affected: yes. Observed: 2 variant alleles.

Labcorp Genetics (formerly Invitae), Labcorp
Classification: Pathogenic for Congenital myasthenic syndrome 5. Last evaluated: 2018-07-21. Review status: criteria provided, single submitter. Criteria: Invitae Variant Classification Sherloc (09022015). Collection method: clinical testing. Allele origin: germline.
Comment: This sequence change creates a premature translational stop signal (p.Gly198Glufs*26) in the COLQ gene. It is expected to result in an absent or disrupted protein product. This variant is not present in population databases (ExAC no frequency). This variant has not been reported in the literature in individuals with COLQ-related disease. Loss-of-function variants in COLQ are known to be pathogenic (PMID: 22678886). For these reasons, this variant has been classified as Pathogenic.

Literature cited by the submitters: PubMed 9758617 (cited by University of Malaya Medical Center, University of Malaya); PubMed 22678886 (cited by Labcorp Genetics (formerly Invitae), Labcorp).

NM_005677.4(COLQ):c.588del (p.Gly198fs)

Gene: COLQ (collagen like tail subunit of asymmetric acetylcholinesterase; minus strand). Cytogenetic location: 3p25.1.
Variant type: Deletion.
Coding change: c.588del on transcript NM_005677.4 (MANE Select); coding-DNA position 588, one base deleted (C; older notation c.588delC).
Protein change: p.Gly198fs; shifts the reading frame from glycine 198.
Molecular consequence: frameshift variant.
Genome position (GRCh38, 1-based): chr3:15,474,240, G deleted on the plus strand (C on the coding strand, the reverse complement: COLQ is on the minus strand); the first of 3 consecutive G bases (chr3:15,474,240-15,474,242); deleting any one gives the same sequence. VCF-style (leftmost placement, unchanged base first): chr3-15474239-TG-T. GRCh37 (hg19) VCF-style: chr3-15515746-TG-T.
Other names: c.558del, p.Gly188fs (NM_080538.2); c.486del, p.Gly164fs (NM_080539.4); short protein forms G188fs, G198fs, G164fs.
Identifiers: ClinVar variation 599286 (VCV000599286.8), dbSNP rs1559519107, ClinGen allele CA913189724.
Genomic context (GRCh38, chr3:15,474,239, plus strand): 5'-CTACTTGCACTGACATTTATCATTTCTATGGAAAGGTTTTCTCCATTACCTTTTCTCCTT[TG>T]GGACCCAGGTCACCCTTTTCACCTCTGGATCCCTAGGAAGAAACCATAGGAGAAAGTCAA-3'